The following is an entry in ClinVar:

NM_014634.4(PPM1F):c.1228G>A (p.Val410Met)

Gene: PPM1F (protein phosphatase, Mg2+/Mn2+ dependent 1F; minus strand). Cytogenetic location: 22q11.22.
Variant type: single nucleotide variant.
Coding change: c.1228G>A on transcript NM_014634.4 (MANE Select); coding-DNA position 1228, G replaced by A.
Protein change: p.Val410Met; replaces valine 410 with methionine.
Molecular consequence: missense variant.
Genome position (GRCh38, 1-based): chr22:21,923,229, C>T on the plus strand (G>A on the coding strand, the complement: PPM1F is on the minus strand). VCF-style: chr22-21923229-C-T. GRCh37 (hg19) VCF-style: chr22-22277602-C-T.
Other names: c.724G>A, p.Val242Met (NM_001410836.1); short protein forms V242M, V410M.
Identifiers: ClinVar variation 4681972 (VCV004681972.5).

ClinVar aggregate classification (germline): Uncertain significance (1 of 4 stars; one submission).

Submission:

CeGaT Center for Human Genetics Tuebingen
Classification: Uncertain significance. Last evaluated: 2025-12-01. Review status: criteria provided, single submitter. Criteria: CeGaT Center For Human Genetics Tuebingen Variant Classification Criteria Version 2. Collection method: clinical testing. Allele origin: germline. Affected: yes. Observed: 1 variant allele.
Comment: PPM1F: PM2